The following is an entry in ClinVar:

NM_001023.4(RPS20):c.104-18G>A

Gene: RPS20 (ribosomal protein S20; minus strand). Cytogenetic location: 8q12.1.
Variant type: single nucleotide variant.
Coding change: c.104-18G>A on transcript NM_001023.4 (MANE Select); 18 bases into the intron before coding-DNA position 104, G replaced by A.
Molecular consequence: intron variant.
Genome position (GRCh38, 1-based): chr8:56,073,786, C>T on the plus strand (G>A on the coding strand, the complement: RPS20 is on the minus strand). VCF-style: chr8-56073786-C-T. GRCh37 (hg19) VCF-style: chr8-56986345-C-T.
Other names: c.104-18G>A (NM_001146227.3).
Identifiers: ClinVar variation 5042145 (VCV005042145.1).

ClinVar aggregate classification (germline): Likely benign (1 of 4 stars; one submission).

Conditions:
Familial colorectal cancer type X. Identifiers: Orphanet 440437, MedGen C3896578, MONDO:0018604.

Submission:

Myriad Genetics, Inc.
Classification: Likely benign for Familial colorectal cancer type X. Last evaluated: 2026-07-31. Review status: criteria provided, single submitter. Criteria: Myriad Autosomal Dominant, Autosomal Recessive and X-Linked Classification Criteria (2023). Collection method: clinical testing. Allele origin: unknown.
Comment: This variant is considered likely benign. This variant is intronic and is not expected to impact mRNA splicing.